The following is an entry in ClinVar:

ClinVar aggregate classification (germline): Uncertain significance. Review status: criteria provided, multiple submitters, no conflicts (2 of 4 stars). 3 submissions from 3 submitters: Uncertain significance (3). Last evaluated 2026-04-28.

Conditions:
Acrocephalosyndactyly type I (ACS1). Also called: Apert syndrome; Acrocephalo-syndactyly type 1; ACS 1; Syndactylic oxycephaly. Identifiers: Orphanet 87, MedGen C0001193, MONDO:0007041, OMIM 101200.
Levy-Hollister syndrome (LADD). Also called: LADD syndrome. Identifiers: Orphanet 2363, MedGen C0265269, MONDO:0007872.
Jackson-Weiss syndrome (JWS). Also called: CRANIOSYNOSTOSIS, MIDFACIAL HYPOPLASIA, AND FOOT ABNORMALITIES. Identifiers: Orphanet 1540, MedGen C0795998, MONDO:0007400, OMIM 123150. Disease mechanism: loss of function.
Crouzon syndrome. Also called: Craniofacial dysostosis; Craniofacial dysostosis type 1; Crouzon craniofacial dysostosis; Crouzon disease; CRANIOFACIAL DYSOSTOSIS, TYPE I. Identifiers: Orphanet 207, MedGen C0010273, MeSH D003394, MONDO:0007405, OMIM 123500, HP:0004439.
Bent bone dysplasia syndrome 1 (BBDS1). Also called: FGFR2-related bent bone dysplasia. Identifiers: Orphanet 313855, MedGen C3281247, MONDO:0013815, OMIM 614592.
Gastric cancer. Also called: Malignant tumor of stomach; Stomach cancer. Identifiers: MedGen C0024623, MeSH D013274, MONDO:0001056, OMIM 613659, HP:0012126.
Beare-Stevenson cutis gyrata syndrome (BSTVS). Identifiers: Orphanet 1555, MedGen C1852406, MONDO:0007412, OMIM 123790.
Pfeiffer syndrome (ACS5). Also called: ACS V. Identifiers: Orphanet 710, MedGen C0220658, MONDO:0007043, OMIM 101600.
Antley-Bixler syndrome without genital anomalies or disordered steroidogenesis (ABS2). Also called: Trapezoidocephaly synostosis syndrome; Osteodysgenesis, multisynostotic with fractures; Antley-Bixler Syndrome, Autosomal Dominant; MULTISYNOSTOTIC OSTEODYSGENESIS WITH LONG BONE FRACTURES. Identifiers: Orphanet 596008, Orphanet 83, MedGen C2936791, MONDO:0020667, OMIM 207410.
Saethre-Chotzen syndrome (SCS). Also called: ACROCEPHALY, SKULL ASYMMETRY, AND MILD SYNDACTYLY; ACS III; CHOTZEN SYNDROME. Identifiers: Orphanet 794, MedGen C0175699, MONDO:0007042, OMIM 101400.
Familial scaphocephaly syndrome, McGillivray type. Also called: SCAPHOCEPHALY, MAXILLARY RETRUSION, AND IMPAIRED INTELLECTUAL DEVELOPMENT. Identifiers: Orphanet 168624, MedGen C1865070, MONDO:0012307, OMIM 609579.

Allele frequency attached by ClinVar (database versions not stated): gnomAD exomes below 0.00001.

Submissions (3):

Dasa
Classification: Uncertain significance. Last evaluated: 2026-04-28. Review status: criteria provided, single submitter. Criteria: DASA Assertion Criteria. Collection method: clinical testing. Allele origin: germline.
Comment: NM_000141.5(FGFR2):c.781G>A (p.Gly261Arg) is a missense variant that results in the substitution of glycine with arginine. This variant is rare in population databases. Computational prediction algorithms are consistent with a deleterious effect. The currently available literature and clinical evidence are not sufficient to establish a definitive association between this variant and the reported condition. Therefore, this variant is classified as a variant of uncertain significance.

GeneDx
Classification: Uncertain significance. Last evaluated: 2024-03-07. Review status: criteria provided, single submitter. Criteria: GeneDx Variant Classification Process June 2021. Collection method: clinical testing. Allele origin: germline. Affected: yes.
Comment: Not observed at significant frequency in large population cohorts (gnomAD); In silico analysis supports that this missense variant has a deleterious effect on protein structure/function; Has not been previously published as pathogenic or benign to our knowledge; This variant is associated with the following publications: (PMID: 11781872, 29230096)

Fulgent Genetics
Classification: Uncertain significance for Acrocephalosyndactyly type I; Saethre-Chotzen syndrome; Pfeiffer syndrome; Jackson-Weiss syndrome; Crouzon syndrome; Beare-Stevenson cutis gyrata syndrome; LADD syndrome 1; Antley-Bixler syndrome without genital anomalies or disordered steroidogenesis; Familial scaphocephaly syndrome, McGillivray type; Gastric cancer; Bent bone dysplasia syndrome 1. Last evaluated: 2022-05-12. Review status: criteria provided, single submitter. Criteria: ACMG Guidelines, 2015. Collection method: clinical testing. Allele origin: unknown.

NM_000141.5(FGFR2):c.781G>A (p.Gly261Arg)

Gene: FGFR2 (fibroblast growth factor receptor 2; minus strand). Cytogenetic location: 10q26.13.
Variant type: single nucleotide variant.
Coding change: c.781G>A on transcript NM_000141.5 (MANE Select); coding-DNA position 781, G replaced by A.
Protein change: p.Gly261Arg; replaces glycine 261 with arginine.
Molecular consequence: missense variant. On other transcripts: non-coding transcript variant (1), intron variant (1).
Genome position (GRCh38, 1-based): chr10:121,520,137, C>T on the plus strand (G>A on the coding strand, the complement: FGFR2 is on the minus strand). VCF-style: chr10-121520137-C-T. GRCh37 (hg19) VCF-style: chr10-123279651-C-T.
Other names: c.781G>A, p.Gly261Arg (NM_001144913.1, NM_001144917.2, NM_001320658.2 and 1 more transcripts); c.514G>A, p.Gly172Arg (NM_001144915.2, NM_001144919.2, NM_023029.3); c.436G>A, p.Gly146Arg (NM_001144916.2, NM_001144918.2); c.97G>A, p.Gly33Arg (NM_001320654.2); c.749-4818G>A (NM_001144914.1); short protein forms G146R, G172R, G261R, G33R.
Identifiers: ClinVar variation 1316322 (VCV001316322.6), dbSNP rs2134317947, ClinGen allele CA378331012.